The following is an entry in ClinVar:

NM_001360.3(DHCR7):c.1156_1158delinsAAC (p.Asp386Asn)

Gene: DHCR7 (7-dehydrocholesterol reductase; minus strand). Cytogenetic location: 11q13.4.
Variant type: Indel.
Coding change: c.1156_1158delinsAAC on transcript NM_001360.3 (MANE Select); coding-DNA positions 1156 to 1158, GAT replaced by AAC.
Protein change: p.Asp386Asn; replaces aspartic acid 386 with asparagine.
Molecular consequence: missense variant.
Genome position (GRCh38, 1-based): chr11:71,435,645-71,435,647, ATC replaced by GTT on the plus strand (GAT replaced by AAC on the coding strand, the reverse complement: DHCR7 is on the minus strand). VCF-style: chr11-71435645-ATC-GTT. GRCh37 (hg19) VCF-style: chr11-71146691-ATC-GTT.
Other names: c.1156_1158delinsAAC, p.Asp386Asn (NM_001163817.2); c.1156_1158delGATinsAAC, p.Asp386Asn (NM_001360.2); c.1156_1158delinsAAC (NM_001360.2); short protein forms D386N.
Identifiers: ClinVar variation 1735317 (VCV001735317.3), dbSNP rs2539209240, ClinGen allele CA2580084831.

ClinVar aggregate classification (germline): Uncertain significance. Review status: criteria provided, multiple submitters, no conflicts (2 of 4 stars). 2 submissions from 2 submitters: Uncertain significance (2). Last evaluated 2024-09-16.

Conditions:
Inborn genetic diseases. Identifiers: MedGen C0950123, MeSH D030342.

Submissions (2):

GeneDx
Classification: Uncertain significance. Last evaluated: 2024-09-16. Review status: criteria provided, single submitter. Criteria: GeneDx Variant Classification Process June 2021. Collection method: clinical testing. Allele origin: germline. Affected: yes.
Comment: Not observed at significant frequency in large population cohorts (gnomAD); In silico analysis supports a deleterious effect on protein structure/function; Has not been previously published as pathogenic or benign to our knowledge; This variant is associated with the following publications: (PMID: 24813812)

Ambry Genetics
Classification: Uncertain significance for Inborn genetic diseases. Last evaluated: 2018-06-13. Review status: criteria provided, single submitter. Criteria: Ambry Variant Classification Scheme 2023. Collection method: clinical testing. Allele origin: germline.
Comment: The c.1156_1158delGATinsAAC variant (also known as p.D386N), located in coding exon 7 of the DHCR7 gene. This alteration results from an in-frame deletion of GAT and insertion of AAC at nucleotide positions 1156 to 1158. This results in the substitution of the aspartic acid residue for an asparagine residue at codon 386, an amino acid with highly similar properties. An alteration resulting in the same amino acid change, p.D386N (c.1156G>A), was identified in a study that aimed to determine the allele carrier frequency of Smith-Lemli-Opitz syndrome (SLOS); however, clinical information was limited (Cross JL et al. Clin. Genet., 2015 Jun;87:570-5). This amino acid position is highly conserved in available vertebrate species. Since supporting evidence is limited at this time, the clinical significance of this alteration remains unclear.

Literature cited by the submitters: PubMed 24813812 (cited by Ambry Genetics).